The following is an entry in ClinVar:

ClinVar aggregate classification (germline): Uncertain significance. Review status: criteria provided, multiple submitters, no conflicts (2 of 4 stars). 3 submissions from 3 submitters: Uncertain significance (3). Last evaluated 2025-05-05.

Conditions:
Inborn genetic diseases. Identifiers: MedGen C0950123, MeSH D030342.

Allele frequency attached by ClinVar (database versions not stated): ExAC 0.00002; gnomAD exomes 0.00005; ESP Exome Variant Server 0.00008.
gnomAD v4.1: 71 of 1,594,018 alleles (0.0045%); highest among the groups gnomAD compares: Admixed American, 0.011%; no homozygotes.

Submissions (3):

Ambry Genetics
Classification: Uncertain significance for Inborn genetic diseases. Last evaluated: 2025-05-05. Review status: criteria provided, single submitter. Criteria: Ambry Variant Classification Scheme 2023. Collection method: clinical testing. Allele origin: germline.

Mayo Clinic Laboratories, Mayo Clinic
Classification: Uncertain significance. Last evaluated: 2024-05-31. Review status: criteria provided, single submitter. Criteria: ACMG Guidelines, 2015. Collection method: clinical testing. Allele origin: germline. Observed: 1 variant allele.
Comment: PM1_supporting, PM2_moderate

GeneDx
Classification: Uncertain significance. Last evaluated: 2022-09-20. Review status: criteria provided, single submitter. Criteria: GeneDx Variant Classification Process June 2021. Collection method: clinical testing. Allele origin: germline. Affected: yes.
Comment: In silico analysis supports that this missense variant does not alter protein structure/function; Has not been previously published as pathogenic or benign to our knowledge

NM_000506.5(F2):c.103C>T (p.Arg35Trp)

Gene: F2 (coagulation factor II, thrombin; plus strand). Cytogenetic location: 11p11.2.
Variant type: single nucleotide variant.
Coding change: c.103C>T on transcript NM_000506.5 (MANE Select); coding-DNA position 103, C replaced by T.
Protein change: p.Arg35Trp; replaces arginine 35 with tryptophan.
Molecular consequence: missense variant.
Genome position (GRCh38, 1-based): chr11:46,719,725, C>T. VCF-style: chr11-46719725-C-T. GRCh37 (hg19) VCF-style: chr11-46741275-C-T.
Other names: p.Arg35Trp; short protein forms R35W.
Identifiers: ClinVar variation 2444550 (VCV002444550.4), dbSNP rs144785536, ClinGen allele CA5966808.